The following is an entry in ClinVar:

ClinVar aggregate classification (germline): Conflicting classifications of pathogenicity. Review status: criteria provided, conflicting classifications (1 of 4 stars). 4 submissions from 4 submitters: Uncertain significance (2); Benign (1); Likely benign (1). Last evaluated 2025-05-24.

Conditions:
Autosomal recessive limb-girdle muscular dystrophy type 2E (LGMDR4). Also called: MUSCULAR DYSTROPHY, LIMB-GIRDLE, AUTOSOMAL RECESSIVE 4. Identifiers: Orphanet 119, MedGen C1858593, MONDO:0011423, OMIM 604286. Disease mechanism: Affects gamma-sarcoglycan and also disrupts the integrity of the entire sarcoglycan complex..

Submissions (4):

Labcorp Genetics (formerly Invitae), Labcorp
Classification: Benign for Autosomal recessive limb-girdle muscular dystrophy type 2E. Last evaluated: 2025-05-24. Review status: criteria provided, single submitter. Criteria: Invitae Variant Classification Sherloc (09022015). Collection method: clinical testing. Allele origin: germline.

GeneDx
Classification: Likely benign. Last evaluated: 2019-12-04. Review status: criteria provided, single submitter. Criteria: GeneDx Variant Classification Process June 2021. Collection method: clinical testing. Allele origin: germline. Affected: yes.
Comment: This variant is associated with the following publications: (PMID: 30564623)

Athena Diagnostics
Classification: Uncertain significance. Last evaluated: 2018-07-10. Review status: criteria provided, single submitter. Criteria: Athena Diagnostics Criteria. Collection method: clinical testing. Allele origin: germline.

Eurofins Ntd Llc (ga)
Classification: Uncertain significance. Last evaluated: 2016-01-25. Review status: criteria provided, single submitter. Criteria: EGL Classification Definitions. Collection method: clinical testing. Allele origin: germline. Observed: 3 variant alleles, 3 heterozygotes.

NM_000232.5(SGCB):c.430-5dup

Gene: SGCB (sarcoglycan beta; minus strand). Cytogenetic location: 4q12.
Variant type: Duplication.
Coding change: c.430-5dup on transcript NM_000232.5 (MANE Select); 5 bases into the intron before coding-DNA position 430, one base duplicated (T; older notation c.430-5dupT).
Molecular consequence: intron variant.
Genome position (GRCh38, 1-based): chr4:52,028,926, A duplicated on the plus strand (T on the coding strand, the reverse complement: SGCB is on the minus strand); the first of 8 consecutive A bases (chr4:52,028,926-52,028,933); duplicating any one gives the same sequence. VCF-style (leftmost placement, unchanged base first): chr4-52028925-C-CA. GRCh37 (hg19) VCF-style: chr4-52895091-C-CA.
Identifiers: ClinVar variation 285749 (VCV000285749.20), dbSNP rs762831481, ClinGen allele CA2918391.
Genomic context (GRCh38, chr4:52,028,925, plus strand): 5'-AATAGAAGTTTTGTTGTTTTCTACACTGAGCTTTGTTGTCCCTTGCTGAAAAACAATCTT[C>CA]AAAAAAAACAGTTTATTGTGAATATATTTTCAAAGAAGACTGCAAACAAAATTCCTGAAC-3'